The following is an entry in ClinVar:

NM_024685.4(BBS10):c.742T>C (p.Tyr248His)

Gene: BBS10 (Bardet-Biedl syndrome 10; minus strand). Cytogenetic location: 12q21.2.
Variant type: single nucleotide variant.
Coding change: c.742T>C on transcript NM_024685.4 (MANE Select); coding-DNA position 742, T replaced by C.
Protein change: p.Tyr248His; replaces tyrosine 248 with histidine.
Molecular consequence: missense variant.
Genome position (GRCh38, 1-based): chr12:76,347,243, A>G on the plus strand (T>C on the coding strand, the complement: BBS10 is on the minus strand). VCF-style: chr12-76347243-A-G. GRCh37 (hg19) VCF-style: chr12-76741023-A-G.
Other names: short protein forms Y248H.
Identifiers: ClinVar variation 1806718 (VCV001806718.1), dbSNP rs2540956515, ClinGen allele CA385814484.

ClinVar aggregate classification (germline): Uncertain significance (1 of 4 stars; one submission).

Submission:

GeneDx
Classification: Uncertain significance. Last evaluated: 2022-06-23. Review status: criteria provided, single submitter. Criteria: GeneDx Variant Classification Process June 2021. Collection method: clinical testing. Allele origin: germline. Affected: yes.
Comment: Not observed at significant frequency in large population cohorts (gnomAD); In silico analysis supports that this missense variant does not alter protein structure/function; Has not been previously published as pathogenic or benign to our knowledge